The following is an entry in ClinVar:

NM_001351132.2(PEX5):c.80A>G (p.Asp27Gly)

Gene: PEX5 (peroxisomal biogenesis factor 5; plus strand). Cytogenetic location: 12p13.31.
Variant type: single nucleotide variant.
Coding change: c.80A>G on transcript NM_001351132.2 (MANE Select); coding-DNA position 80, A replaced by G.
Protein change: p.Asp27Gly; replaces aspartic acid 27 with glycine.
Molecular consequence: missense variant.
Genome position (GRCh38, 1-based): chr12:7,190,457, A>G. VCF-style: chr12-7190457-A-G. GRCh37 (hg19) VCF-style: chr12-7343053-A-G.
Other names: c.80A>G, p.Asp27Gly (NM_000319.5, NM_001131023.2, NM_001131024.2 and 22 more transcripts); short protein forms D27G.
Identifiers: ClinVar variation 1516157 (VCV001516157.8), dbSNP rs2135877981, ClinGen allele CA383707630.

ClinVar aggregate classification (germline): Uncertain significance (1 of 4 stars; one submission).

Conditions:
Peroxisome biogenesis disorder 2B (PBD2B). Identifiers: Orphanet 44, MedGen C3550234, MONDO:0008736, OMIM 202370.

Allele frequency attached by ClinVar (database versions not stated): gnomAD exomes below 0.00001.
gnomAD v4.1: 1 of 1,614,112 alleles (0.000062%); no homozygotes.

Submission:

Labcorp Genetics (formerly Invitae), Labcorp
Classification: Uncertain significance for Peroxisome biogenesis disorder 2B. Last evaluated: 2021-06-28. Review status: criteria provided, single submitter. Criteria: Invitae Variant Classification Sherloc (09022015). Collection method: clinical testing. Allele origin: germline.
Comment: This sequence change replaces aspartic acid with glycine at codon 27 of the PEX5 protein (p.Asp27Gly). The aspartic acid residue is moderately conserved and there is a moderate physicochemical difference between aspartic acid and glycine. This variant is not present in population databases (ExAC no frequency). This variant has not been reported in the literature in individuals affected with PEX5-related conditions. Algorithms developed to predict the effect of missense changes on protein structure and function are either unavailable or do not agree on the potential impact of this missense change (SIFT: "Tolerated"; PolyPhen-2: "Probably Damaging"; Align-GVGD: "Class C0"). In summary, the available evidence is currently insufficient to determine the role of this variant in disease. Therefore, it has been classified as a Variant of Uncertain Significance.